The following is an entry in ClinVar:

NM_001792.5(CDH2):c.1420A>T (p.Ile474Phe)

Gene: CDH2 (cadherin 2; minus strand). Cytogenetic location: 18q12.1.
Variant type: single nucleotide variant.
Coding change: c.1420A>T on transcript NM_001792.5 (MANE Select); coding-DNA position 1420, A replaced by T.
Protein change: p.Ile474Phe; replaces isoleucine 474 with phenylalanine.
Molecular consequence: missense variant.
Genome position (GRCh38, 1-based): chr18:27,990,275, T>A on the plus strand (A>T on the coding strand, the complement: CDH2 is on the minus strand). VCF-style: chr18-27990275-T-A. GRCh37 (hg19) VCF-style: chr18-25570239-T-A.
Other names: c.1327A>T, p.Ile443Phe (NM_001308176.2); short protein forms I443F, I474F.
Identifiers: ClinVar variation 3221781 (VCV003221781.1), dbSNP rs1481966925, ClinGen allele CA402109267.

ClinVar aggregate classification (germline): Uncertain significance (1 of 4 stars; one submission).

Conditions:
Inborn genetic diseases. Identifiers: MedGen C0950123, MeSH D030342.

Submission:

Ambry Genetics
Classification: Uncertain significance for Inborn genetic diseases. Last evaluated: 2022-12-09. Review status: criteria provided, single submitter. Criteria: Ambry Variant Classification Scheme 2023. Collection method: clinical testing. Allele origin: germline.
Comment: The p.I474F variant (also known as c.1420A>T), located in coding exon 10 of the CDH2 gene, results from an A to T substitution at nucleotide position 1420. The isoleucine at codon 474 is replaced by phenylalanine, an amino acid with highly similar properties. This amino acid position is conserved. In addition, the in silico prediction for this alteration is inconclusive. Since supporting evidence is limited at this time, the clinical significance of this alteration remains unclear.